The following is an entry in ClinVar:

ClinVar aggregate classification (germline): Uncertain significance. Review status: criteria provided, multiple submitters, no conflicts (2 of 4 stars). 2 submissions from 2 submitters: Uncertain significance (2). Last evaluated 2026-01-27.

Conditions:
Inborn genetic diseases. Identifiers: MedGen C0950123, MeSH D030342.

gnomAD v4.1: 48 of 1,613,862 alleles (0.003%); highest among the groups gnomAD compares: Non-Finnish European, 0.004%; no homozygotes.

Submissions (2):

Labcorp Genetics (formerly Invitae), Labcorp
Classification: Uncertain significance. Last evaluated: 2026-01-27. Review status: criteria provided, single submitter. Criteria: Invitae Variant Classification Sherloc (09022015). Collection method: clinical testing. Allele origin: germline.
Comment: This sequence change replaces methionine, which is neutral and non-polar, with valine, which is neutral and non-polar, at codon 637 of the MECOM protein (p.Met637Val). This variant is present in population databases (no rsID available, gnomAD 0.003%). This variant has not been reported in the literature in individuals affected with MECOM-related conditions. ClinVar contains an entry for this variant (Variation ID: 3678093). An algorithm developed to predict the effect of missense changes on protein structure and function (PolyPhen-2) suggests that this variant is likely to be disruptive. In summary, the available evidence is currently insufficient to determine the role of this variant in disease. Therefore, it has been classified as a Variant of Uncertain Significance.

Ambry Genetics
Classification: Uncertain significance for Inborn genetic diseases. Last evaluated: 2025-03-28. Review status: criteria provided, single submitter. Criteria: Ambry Variant Classification Scheme 2023. Collection method: clinical testing. Allele origin: germline.

NM_004991.4(MECOM):c.2473A>G (p.Met825Val)

Gene: MECOM (MDS1 and EVI1 complex locus; minus strand). Cytogenetic location: 3q26.2.
Variant type: single nucleotide variant.
Coding change: c.2473A>G on transcript NM_004991.4 (MANE Select); coding-DNA position 2473, A replaced by G.
Protein change: p.Met825Val; replaces methionine 825 with valine.
Molecular consequence: missense variant.
Genome position (GRCh38, 1-based): chr3:169,115,399, T>C on the plus strand (A>G on the coding strand, the complement: MECOM is on the minus strand). VCF-style: chr3-169115399-T-C. GRCh37 (hg19) VCF-style: chr3-168833187-T-C.
Other names: c.2473A>G (NM_004991.3); c.2104A>G, p.Met702Val (NM_001105077.4); c.1909A>G, p.Met637Val (NM_001105078.4, NM_001164000.2, NM_001205194.2 and 4 more transcripts); c.1912A>G, p.Met638Val (NM_001163999.2, NM_001366467.2, NM_001366468.2 and 1 more transcripts); c.2473A>G, p.Met825Val (NM_001366466.2); c.1501A>G, p.Met501Val (NM_001366473.2); c.937A>G, p.Met313Val (NM_001366474.2); short protein forms M638V, M825V, M313V, M501V, M637V, M702V.
Identifiers: ClinVar variation 3678093 (VCV003678093.4).